The following is an entry in ClinVar:

ClinVar aggregate classification (germline): Likely pathogenic (1 of 4 stars; one submission).

Conditions:
Methylcobalamin deficiency type cblG (HMAG). Also called: HOMOCYSTINURIA-MEGALOBLASTIC ANEMIA DUE TO DEFECT IN COBALAMIN METABOLISM, cblG COMPLEMENTATION TYPE; HOMOCYSTINURIA-MEGALOBLASTIC ANEMIA, cblG TYPE; HOMOCYSTINURIA-MEGALOBLASTIC ANEMIA, cblG COMPLEMENTATION TYPE; Functional methionine synthase deficiency type cblG. Identifiers: Orphanet 2170, Orphanet 622, MedGen C1855128, MONDO:0009609, OMIM 250940.

Submission:

Women's Health and Genetics/Laboratory Corporation of America, LabCorp
Classification: Likely pathogenic for Methylcobalamin deficiency type cblG. Last evaluated: 2024-10-04. Review status: criteria provided, single submitter. Criteria: LabCorp Variant Classification Summary - May 2015. Collection method: clinical testing. Allele origin: germline.
Comment: Variant summary: MTR c.3007+1G>A is located in a canonical splice-site and is predicted to affect mRNA splicing resulting in a significantly altered protein due to either exon skipping, shortening, or inclusion of intronic material. Variants that disrupt the consensus splice site are a relatively common cause of aberrant splicing and loss of MTR function. Several computational tools predict a significant impact on normal splicing: Three predict the variant abolishes a 5' splicing donor site. One predict the variant abolishes a cryptic 5' donor site. However, these predictions have yet to be confirmed by functional studies. The frequency data for this variant in gnomAD is considered unreliable, as metrics indicate poor data quality at this position. To our knowledge, no occurrence of c.3007+1G>A in individuals affected with Methylcobalamin deficiency type cblG and no experimental evidence demonstrating its impact on protein function have been reported. No submitters have cited clinical-significance assessments for this variant to ClinVar. Based on the evidence outlined above, the variant was classified as likely pathogenic.

NM_000254.3(MTR):c.3007+1G>A

Gene: MTR (5-methyltetrahydrofolate-homocysteine methyltransferase; plus strand). Cytogenetic location: 1q43.
Variant type: single nucleotide variant.
Coding change: c.3007+1G>A on transcript NM_000254.3 (MANE Select); the canonical splice donor site of the intron after coding-DNA position 3007, G replaced by A.
Molecular consequence: splice donor variant.
Genome position (GRCh38, 1-based): chr1:236,889,337, G>A. VCF-style: chr1-236889337-G-A. GRCh37 (hg19) VCF-style: chr1-237052637-G-A.
Other names: c.2854+1G>A (NM_001291939.1); c.2818+1G>A (NM_001410942.1); c.1786+1G>A (NM_001291940.2).
Identifiers: ClinVar variation 3384927 (VCV003384927.1).